The following is an entry in ClinVar:

ClinVar aggregate classification (germline): Uncertain significance (1 of 4 stars; one submission).

Conditions:
Arginine:glycine amidinotransferase deficiency (CCDS3). Also called: Cerebral creatine deficiency syndrome 3; Creatine deficiency syndrome due to AGAT deficiency; GATM deficiency; L-Arginine:Glycine Amidinotransferase (AGAT) Deficiency; AGAT deficiency; L-Arginine:Glycine Amidinotransferase Deficiency. Identifiers: Orphanet 35704, MedGen C2675179, MONDO:0012996, OMIM 612718.

Allele frequency attached by ClinVar (database versions not stated): ExAC 0.00001; gnomAD 0.00001; TOPMed 0.00001.
gnomAD v4.1: 10 of 1,613,978 alleles (0.00062%); highest among the groups gnomAD compares: Non-Finnish European, 0.00085%; no homozygotes.

Submission:

Labcorp Genetics (formerly Invitae), Labcorp
Classification: Uncertain significance for Arginine:glycine amidinotransferase deficiency. Last evaluated: 2024-04-19. Review status: criteria provided, single submitter. Criteria: Invitae Variant Classification Sherloc (09022015). Collection method: clinical testing. Allele origin: germline.
Comment: This sequence change replaces histidine, which is basic and polar, with asparagine, which is neutral and polar, at codon 119 of the GATM protein (p.His119Asn). This variant is present in population databases (rs757696021, gnomAD 0.0009%). This variant has not been reported in the literature in individuals affected with GATM-related conditions. ClinVar contains an entry for this variant (Variation ID: 2414717). Advanced modeling of protein sequence and biophysical properties (such as structural, functional, and spatial information, amino acid conservation, physicochemical variation, residue mobility, and thermodynamic stability) performed at Invitae indicates that this missense variant is expected to disrupt GATM protein function with a positive predictive value of 80%. In summary, the available evidence is currently insufficient to determine the role of this variant in disease. Therefore, it has been classified as a Variant of Uncertain Significance.

NM_001482.3(GATM):c.355C>A (p.His119Asn)

Gene: GATM (glycine amidinotransferase; minus strand). Cytogenetic location: 15q21.1.
Variant type: single nucleotide variant.
Coding change: c.355C>A on transcript NM_001482.3 (MANE Select); coding-DNA position 355, C replaced by A.
Protein change: p.His119Asn; replaces histidine 119 with asparagine.
Molecular consequence: missense variant. On other transcripts: 5 prime UTR variant (1).
Genome position (GRCh38, 1-based): chr15:45,369,455, G>T on the plus strand (C>A on the coding strand, the complement: GATM is on the minus strand). VCF-style: chr15-45369455-G-T. GRCh37 (hg19) VCF-style: chr15-45661653-G-T.
Other names: c.-33C>A (NM_001321015.2); short protein forms H119N.
Identifiers: ClinVar variation 2414717 (VCV002414717.6), dbSNP rs757696021, ClinGen allele CA7542946.